The following is an entry in ClinVar:

NM_014956.5(CEP164):c.3278+5_3278+8del

Gene: CEP164 (centrosomal protein 164; plus strand). Cytogenetic location: 11q23.3.
Variant type: Deletion.
Coding change: c.3278+5_3278+8del on transcript NM_014956.5 (MANE Select); bases 5 to 8 of the intron after coding-DNA position 3278, 4 bases deleted (GTTC; older notation c.3278+5_3278+8delGTTC).
Molecular consequence: intron variant.
Genome position (GRCh38, 1-based): chr11:117,396,616-117,396,619, GTTC deleted. VCF-style (leftmost placement, unchanged base first): chr11-117396615-AGTTC-A. GRCh37 (hg19) VCF-style: chr11-117267331-AGTTC-A.
Other names: c.3287+5_3287+8del (NM_001271933.2).
Identifiers: ClinVar variation 1499839 (VCV001499839.4), dbSNP rs929035130, ClinGen allele CA229361825.
Genomic context (GRCh38, chr11:117,396,615, plus strand): 5'-GACCAAAGAGGTGTCTTCTTCTCTCTCCCAGAGCAAGGAGGACTTATACTTGGACAGGTG[AGTTC>A]CCATAGCCTGTCTTATTTGAGGTTAGGGTACCATGAAGGGGTAAGTGAGTACCTGCATCA-3'

ClinVar aggregate classification (germline): Uncertain significance. Review status: criteria provided, multiple submitters, no conflicts (2 of 4 stars). 2 submissions from 2 submitters: Uncertain significance (2). Last evaluated 2022-05-31.

Conditions:
Nephronophthisis 15 (NPHP15). Identifiers: Orphanet 3156, MedGen C3541853, MONDO:0013917, OMIM 614845.

Allele frequency attached by ClinVar (database versions not stated): gnomAD exomes below 0.00001; gnomAD 0.00003; TOPMed 0.00005.

Submissions (2):

Labcorp Genetics (formerly Invitae), Labcorp
Classification: Uncertain significance for Nephronophthisis 15. Last evaluated: 2022-05-31. Review status: criteria provided, single submitter. Criteria: Invitae Variant Classification Sherloc (09022015). Collection method: clinical testing. Allele origin: germline.
Comment: This sequence change falls in intron 26 of the CEP164 gene. It does not directly change the encoded amino acid sequence of the CEP164 protein. It affects a nucleotide within the consensus splice site. This variant is not present in population databases (gnomAD no frequency). This variant has not been reported in the literature in individuals affected with CEP164-related conditions. ClinVar contains an entry for this variant (Variation ID: 1499839). Variants that disrupt the consensus splice site are a relatively common cause of aberrant splicing (PMID: 17576681, 9536098). Algorithms developed to predict the effect of sequence changes on RNA splicing suggest that this variant may disrupt the consensus splice site. In summary, the available evidence is currently insufficient to determine the role of this variant in disease. Therefore, it has been classified as a Variant of Uncertain Significance.

Fulgent Genetics
Classification: Uncertain significance for Nephronophthisis 15. Last evaluated: 2021-09-27. Review status: criteria provided, single submitter. Criteria: ACMG Guidelines, 2015. Collection method: clinical testing. Allele origin: unknown.

Literature cited by the submitters: PubMed 17576681 (cited by Labcorp Genetics (formerly Invitae), Labcorp); PubMed 9536098 (cited by Labcorp Genetics (formerly Invitae), Labcorp).